The following is an entry in ClinVar:

NM_000202.8(IDS):c.608A>T (p.Glu203Val)

Genes: IDS (iduronate 2-sulfatase; minus strand), LOC106050102 (IDS recombination region; plus strand). Cytogenetic location: Xq28.
Variant type: single nucleotide variant.
Coding change: c.608A>T on transcript NM_000202.8 (MANE Select); coding-DNA position 608, A replaced by T.
Protein change: p.Glu203Val; replaces glutamic acid 203 with valine.
Molecular consequence: missense variant. On other transcripts: non-coding transcript variant (1).
Genome position (GRCh38, 1-based): chrX:149,498,207, T>A on the plus strand (A>T on the coding strand, the complement: IDS is on the minus strand). VCF-style: chrX-149498207-T-A. GRCh37 (hg19) VCF-style: chrX-148579738-T-A.
Other names: c.338A>T, p.Glu113Val (NM_001166550.4); c.608A>T, p.Glu203Val (NM_006123.5); short protein forms E113V, E203V.
Identifiers: ClinVar variation 1055814 (VCV001055814.10), dbSNP rs2124046817, ClinGen allele CA414522357.

ClinVar aggregate classification (germline): Uncertain significance (1 of 4 stars; one submission).

Conditions:
Mucopolysaccharidosis, MPS-II (MPS2). Also called: Attenuated MPS (subtype; formerly known as mild MPS II); Severe MPS II; I2S deficiency; MPS 2; Hunter Syndrome; IDS deficiency. Identifiers: Orphanet 580, Orphanet 79388, MedGen C0026705, MONDO:0010674, OMIM 309900.

Allele frequency attached by ClinVar (database versions not stated): gnomAD exomes below 0.00001.
gnomAD v4.1: 3 of 1,211,587 alleles (0.00025%); highest among the groups gnomAD compares: South Asian, 0.0053%; no homozygotes.

Submission:

Labcorp Genetics (formerly Invitae), Labcorp
Classification: Uncertain significance for Mucopolysaccharidosis, MPS-II. Last evaluated: 2022-02-24. Review status: criteria provided, single submitter. Criteria: Invitae Variant Classification Sherloc (09022015). Collection method: clinical testing. Allele origin: germline.
Comment: In summary, the available evidence is currently insufficient to determine the role of this variant in disease. Therefore, it has been classified as a Variant of Uncertain Significance. Algorithms developed to predict the effect of missense changes on protein structure and function are either unavailable or do not agree on the potential impact of this missense change (SIFT: "Deleterious"; PolyPhen-2: "Possibly Damaging"; Align-GVGD: "Class C0"). ClinVar contains an entry for this variant (Variation ID: 1055814). This variant has not been reported in the literature in individuals affected with IDS-related conditions. This variant is not present in population databases (gnomAD no frequency). This sequence change replaces glutamic acid, which is acidic and polar, with valine, which is neutral and non-polar, at codon 203 of the IDS protein (p.Glu203Val).